The following is an entry in ClinVar:

ClinVar aggregate classification (germline): Conflicting classifications of pathogenicity. Review status: criteria provided, conflicting classifications (1 of 4 stars). 2 submissions from 2 submitters: Likely pathogenic (1); Uncertain significance (1). Last evaluated 2024-12-13.

gnomAD v4.1: 17 of 1,613,262 alleles (0.0011%); highest among the groups gnomAD compares: East Asian, 0.0045%; no homozygotes.

Submissions (2):

GeneDx
Classification: Uncertain significance. Last evaluated: 2024-12-13. Review status: criteria provided, single submitter. Criteria: GeneDx Variant Classification Process June 2021. Collection method: clinical testing. Allele origin: germline. Affected: yes.
Comment: In silico analysis supports that this missense variant has a deleterious effect on protein structure/function; This variant is associated with the following publications: (PMID: 33417001)

Genetic Services Laboratory, University of Chicago
Classification: Likely pathogenic. Last evaluated: 2024-08-06. Review status: criteria provided, single submitter. Criteria: ACMG Guidelines, 2015. Collection method: clinical testing. Allele origin: germline. Affected: yes.
Comment: DNA sequence analysis of the STUB1 gene demonstrated a sequence change, c.814C>T, in exon 7 in the apparent homozygous state that results in an amino acid change, p.Arg272Trp. The p.Arg272Trp change affects a highly conserved amino acid residue located in the U box domain of the STUB1 protein where other pathogenic missense variants have been described. In-silico pathogenicity prediction tools (SIFT, PolyPhen2, Align GVGD, REVEL) provide contradictory results for the p.Arg272Trp substitution. This particular amino acid change has been described in the literature in two siblings with progressive cerebellar ataxia (clinical symptoms suggestive of SCAR16) in a compound heterozygous state with another in-frame deletion in the same gene (PMID: 33417001). This sequence change is very rare and has been described in the gnomAD database with a frequency of 0.001% in the European subpopulation (dbSNP rs760849270). These collective evidences indicate that this sequence change is likely pathogenic, however functional studies have not been performed to prove this conclusively.

NM_005861.4(STUB1):c.814C>T (p.Arg272Trp)

Genes: JMJD8 (jumonji domain containing 8; minus strand), STUB1 (STIP1 homology and U-box containing protein 1; plus strand). Cytogenetic location: 16p13.3.
Variant type: single nucleotide variant.
Coding change: c.814C>T on transcript NM_005861.4 (MANE Select); coding-DNA position 814, C replaced by T.
Protein change: p.Arg272Trp; replaces arginine 272 with tryptophan.
Molecular consequence: missense variant. On other transcripts: 3 prime UTR variant (5), non-coding transcript variant (3).
Genome position (GRCh38, 1-based): chr16:682,391, C>T. VCF-style: chr16-682391-C-T. GRCh37 (hg19) VCF-style: chr16-732391-C-T.
Other names: c.598C>T, p.Arg200Trp (NM_001293197.2); c.*403G>A (NM_001005920.4, NM_001323919.3, NM_001323920.3); c.*437G>A (NM_001323918.3, NM_001323922.3); c.814C>T (NM_005861.3); short protein forms R200W, R272W.
Identifiers: ClinVar variation 3903210 (VCV003903210.3).